The following is an entry in ClinVar:

ClinVar aggregate classification (germline): Conflicting classifications of pathogenicity. Review status: criteria provided, conflicting classifications (1 of 4 stars). 5 submissions from 5 submitters: Uncertain significance (3); Likely benign (2). Last evaluated 2025-07-23.

Conditions:
Hereditary breast ovarian cancer syndrome. Also called: Hereditary breast and ovarian cancer syndrome; Hereditary breast and ovarian cancer; Hereditary breast and ovarian cancer syndrome (HBOC); Breast and ovarian cancer; Hereditary breast and/or ovarian cancer syndrome; BRCA1- and BRCA2-Associated Hereditary Breast and Ovarian Cancer. Identifiers: Orphanet 145, MedGen C0677776, MeSH D061325, MONDO:0003582. Disease mechanism: loss of function.
Hereditary cancer-predisposing syndrome. Also called: Hereditary Cancer Syndrome; Tumor predisposition; Neoplastic Syndromes, Hereditary; Hereditary neoplastic syndrome. Identifiers: Orphanet 140162, MedGen C0027672, MeSH D009386, MONDO:0015356.

Allele frequency attached by ClinVar (database versions not stated): gnomAD exomes below 0.00001; ExAC 0.00001.
gnomAD v4.1: 1 of 1,614,102 alleles (0.000062%); highest among the groups gnomAD compares: Non-Finnish European, 0.000085%; no homozygotes.

Submissions (6):

Labcorp Genetics (formerly Invitae), Labcorp
Classification: Uncertain significance for Hereditary breast ovarian cancer syndrome. Last evaluated: 2025-07-23. Review status: criteria provided, single submitter. Criteria: Invitae Variant Classification Sherloc (09022015). Collection method: clinical testing. Allele origin: germline.
Comment: This sequence change replaces threonine, which is neutral and polar, with arginine, which is basic and polar, at codon 3357 of the BRCA2 protein (p.Thr3357Arg). This variant is present in population databases (rs80358388, gnomAD 0.0009%). This variant has not been reported in the literature in individuals affected with BRCA2-related conditions. ClinVar contains an entry for this variant (Variation ID: 627899). Invitae Evidence Modeling of protein sequence and biophysical properties (such as structural, functional, and spatial information, amino acid conservation, physicochemical variation, residue mobility, and thermodynamic stability) indicates that this missense variant is not expected to disrupt BRCA2 protein function with a negative predictive value of 95%. RNA analysis performed to evaluate the impact of this missense change on mRNA splicing indicates it does not significantly alter splicing (internal data). In summary, the available evidence is currently insufficient to determine the role of this variant in disease. Therefore, it has been classified as a Variant of Uncertain Significance.

Ambry Genetics
Classification: Likely benign for Hereditary cancer-predisposing syndrome. Last evaluated: 2024-05-13. Review status: criteria provided, single submitter. Criteria: Ambry Variant Classification Scheme 2023. Collection method: clinical testing. Allele origin: germline.

Quest Diagnostics Nichols Institute San Juan Capistrano
Classification: Uncertain significance. Last evaluated: 2023-07-19. Review status: criteria provided, single submitter. Criteria: Quest Diagnostics criteria. Collection method: clinical testing. Allele origin: unknown.
Comment: In the published literature, this variant has been reported in an unaffected individual (PMID: 33471991 (2021)). The frequency of this variant in the general population, 0.000004 (1/251130 chromosomes (Genome Aggregation Database)), is uninformative in the assessment of its pathogenicity. Analysis of this variant using bioinformatics tools for the prediction of the effect of amino acid changes on protein structure and function yielded predictions that this variant is benign. Based on the available information, we are unable to determine the clinical significance of this variant.

Women's Health and Genetics/Laboratory Corporation of America, LabCorp
Classification: Uncertain significance. Last evaluated: 2023-06-06. Review status: criteria provided, single submitter. Criteria: LabCorp Variant Classification Summary - May 2015. Collection method: clinical testing. Allele origin: germline.
Comment: Variant summary: BRCA2 c.10070C>G (p.Thr3357Arg) results in a non-conservative amino acid change in the encoded protein sequence. Four of five in-silico tools predict a benign effect of the variant on protein function. The variant allele was found at a frequency of 4e-06 in 251130 control chromosomes (gnomAD). The available data on variant occurrences in the general population are insufficient to allow any conclusion about variant significance. c.10070C>G has been reported in the literature in breast cancer cells without evidence of a germline origin (e.g. Teng_1996). These report(s) do not provide unequivocal conclusions about association of the variant with Hereditary Breast And Ovarian Cancer Syndrome. To our knowledge, no experimental evidence demonstrating an impact on protein function has been reported. The following publication has been ascertained in the context of this evaluation (PMID: 8640236). Two clinical diagnostic laboratories have submitted clinical-significance assessments for this variant to ClinVar after 2014, and classified it as likely benign (n=1) or uncertain significance (n=1). Based on the evidence outlined above, the variant was classified as uncertain significance.

Color Diagnostics, LLC DBA Color Health
Classification: Likely benign for Hereditary cancer-predisposing syndrome. Last evaluated: 2016-03-02. Review status: criteria provided, single submitter. Criteria: ACMG Guidelines, 2015. Collection method: clinical testing. Allele origin: germline.

Dr. Peter K. Rogan Lab, Western University
No classification provided (evidence only). Condition: Gastric cancer. Review status: no classification provided. Collection method: in vitro. Allele origin: not applicable. Functional consequence: retained intron. Not counted in ClinVar's aggregate classification.

Literature cited by the submitters: PubMed 33471991 (cited by Quest Diagnostics Nichols Institute San Juan Capistrano); PubMed 31026599 (cited by Quest Diagnostics Nichols Institute San Juan Capistrano); PubMed 8640236 (cited by Women's Health and Genetics/Laboratory Corporation of America, LabCorp).

NM_000059.4(BRCA2):c.10070C>G (p.Thr3357Arg)

Gene: BRCA2 (BRCA2 DNA repair associated; plus strand). Cytogenetic location: 13q13.1.
Variant type: single nucleotide variant.
Coding change: c.10070C>G on transcript NM_000059.4 (MANE Select); coding-DNA position 10070, C replaced by G.
Protein change: p.Thr3357Arg; replaces threonine 3357 with arginine.
Molecular consequence: missense variant.
Genome position (GRCh38, 1-based): chr13:32,398,583, C>G. VCF-style: chr13-32398583-C-G. GRCh37 (hg19) VCF-style: chr13-32972720-C-G.
Other names: short protein forms T3357R.
Identifiers: ClinVar variation 627899 (VCV000627899.15), dbSNP rs80358388, ClinGen allele CA6941469.